The following is an entry in ClinVar:

NM_033131.4(WNT3A):c.152A>G (p.Lys51Arg)

Gene: WNT3A (Wnt family member 3A; plus strand). Cytogenetic location: 1q42.13.
Variant type: single nucleotide variant.
Coding change: c.152A>G on transcript NM_033131.4 (MANE Select); coding-DNA position 152, A replaced by G.
Protein change: p.Lys51Arg; replaces lysine 51 with arginine.
Molecular consequence: missense variant.
Genome position (GRCh38, 1-based): chr1:228,022,747, A>G. VCF-style: chr1-228022747-A-G. GRCh37 (hg19) VCF-style: chr1-228210448-A-G.
Other names: short protein forms K51R.
Identifiers: ClinVar variation 2734103 (VCV002734103.3), dbSNP rs145797401, ClinGen allele CA1429373.

ClinVar aggregate classification (germline): Uncertain significance (1 of 4 stars; one submission).

Allele frequency attached by ClinVar (database versions not stated): ExAC 0.00002; gnomAD 0.00003; ESP Exome Variant Server 0.00008.
gnomAD v4.1: 43 of 1,614,052 alleles (0.0027%); highest among the groups gnomAD compares: Middle Eastern, 0.016%; no homozygotes.

Submission:

Labcorp Genetics (formerly Invitae), Labcorp
Classification: Uncertain significance. Last evaluated: 2025-12-15. Review status: criteria provided, single submitter. Criteria: Invitae Variant Classification Sherloc (09022015). Collection method: clinical testing. Allele origin: germline.
Comment: This sequence change replaces lysine, which is basic and polar, with arginine, which is basic and polar, at codon 51 of the WNT3A protein (p.Lys51Arg). This variant is present in population databases (rs145797401, gnomAD 0.08%), and has an allele count higher than expected for a pathogenic variant. This missense change has been observed in individual(s) with osteoporosis (PMID: 22789636). ClinVar contains an entry for this variant (Variation ID: 2734103). Invitae Evidence Modeling of protein sequence and biophysical properties (such as structural, functional, and spatial information, amino acid conservation, physicochemical variation, residue mobility, and thermodynamic stability) indicates that this missense variant is not expected to disrupt WNT3A protein function with a negative predictive value of 80%. Experimental studies are conflicting or provide insufficient evidence to determine the effect of this variant on WNT3A function (PMID: 22789636). In summary, the available evidence is currently insufficient to determine the role of this variant in disease. Therefore, it has been classified as a Variant of Uncertain Significance.

Literature cited by the submitters: PubMed 22789636.